The following is an entry in ClinVar:

NM_001267550.2(TTN):c.41467C>G (p.Pro13823Ala)

Gene: TTN (titin; minus strand). Cytogenetic location: 2q31.2.
Variant type: single nucleotide variant.
Coding change: c.41467C>G on transcript NM_001267550.2 (MANE Select); coding-DNA position 41467, C replaced by G.
Protein change: p.Pro13823Ala; replaces proline 13823 with alanine.
Molecular consequence: missense variant.
Genome position (GRCh38, 1-based): chr2:178,636,104, G>C on the plus strand (C>G on the coding strand, the complement: TTN is on the minus strand). VCF-style: chr2-178636104-G-C. GRCh37 (hg19) VCF-style: chr2-179500831-G-C.
Other names: c.36544C>G, p.Pro12182Ala (NM_001256850.1); c.14272C>G, p.Pro4758Ala (NM_003319.4); c.33763C>G, p.Pro11255Ala (NM_133378.4); c.14647C>G, p.Pro4883Ala (NM_133432.3); c.14848C>G, p.Pro4950Ala (NM_133437.4); short protein forms P11255A, P12182A, P13823A, P4758A, P4883A, P4950A.
Identifiers: ClinVar variation 1679195 (VCV001679195.3), dbSNP rs2154230379, ClinGen allele CA349658568.

ClinVar aggregate classification (germline): Likely pathogenic (0 of 4 stars; one submission).

Conditions:
Tip-toe gait. Also called: Toe walking. Identifiers: MedGen C0427144, HP:0030051.

Submission:

Practice for Gait Abnormalities, David Pomarino, Competency Network Toe Walking C/o Practice Pomarino
Classification: Likely pathogenic for Tip-toe gait. Review status: no assertion criteria provided. Collection method: clinical testing. Allele origin: germline. Affected: yes.
Comment: Myopathy refers to diseases that affect skeletal Muscles. These diseases attack muscle fibers, making muscles weak. Inherited myopathies are often caused by inheriting an abnormal gene mutation from a parent that causes the disease. Symptoms of congenital myopathies usually start at birth or in early childhood, but may not appear until the teen years or even later in adulthood. Congenital myopathies are somewhat unique compared with other inherited myopathies, as weakness typically affects all muscles and is often not progressive. Symptoms are: Muscle weakness, most commonly of upper arms and shoulders and thighs, muscle cramps, stiffness and spasms, fatigue with exertion and lack of energy. Our patients all walk on tiptoe, so they show similar symptoms. When we genetically test them with our toe walking panel, we find that around 90 per cent of them have a genetic variant that explains their toe walking. These can be assigned, for example, to the area of myopathies (such as variants of the COL6A3 gene), the area of hereditary neuropathies (such as variants of the KMT2C gene) or the area of metabolic diseases (such as variants of the PYGM gene). In a smaller group of patients with almost identical symptoms, no abnormality is found in the genes of our panel, but spastic paraplegia can be detected. In another small group of our toe walkers, no abnormalities can be detected in the genes analysed in our toe walking panel, nor do they suffer from spastic paraplegia, as is also the case with healthy children. In contrast to these, however, they show a tiptoe gait. These patients suffer from infantile cerebral palsy, in which toe walking can also be observed.

Literature cited by the submitters: PubMed 37091313.